The following is an entry in ClinVar:

Conditions:
Long QT syndrome 5 (LQT5). Identifiers: Orphanet 101016, Orphanet 768, MedGen C1867904, MONDO:0013372, OMIM 613695.

Submission:

Roden Lab, Vanderbilt University Medical Center
No classification provided (evidence only). Condition: Long QT syndrome 5. Review status: no classification provided. Collection method: in vitro. Allele origin: not applicable. Functional consequence: Effect on ion channel function.
ClinVar note: "not provided" was previously submitted as the classification for the variant. However, the classification appeared to be based only on an observation of functional data so it was converted to no classification on 2025-07-30.

NM_000219.6(KCNE1):c.295G>C (p.Val99Leu)

Gene: KCNE1 (potassium voltage-gated channel subfamily E regulatory subunit 1; minus strand). Cytogenetic location: 21q22.12.
Variant type: single nucleotide variant.
Coding change: c.295G>C on transcript NM_000219.6 (MANE Select); coding-DNA position 295, G replaced by C.
Protein change: p.Val99Leu; replaces valine 99 with leucine.
Molecular consequence: missense variant.
Genome position (GRCh38, 1-based): chr21:34,449,340, C>G on the plus strand (G>C on the coding strand, the complement: KCNE1 is on the minus strand). VCF-style: chr21-34449340-C-G. GRCh37 (hg19) VCF-style: chr21-35821638-C-G.
Other names: c.295G>C, p.Val99Leu (NM_001127668.4, NM_001127669.4, NM_001127670.4 and 4 more transcripts); short protein forms V99L.
Identifiers: ClinVar variation 3374559 (VCV003374559.2).